The following is an entry in ClinVar:

ClinVar aggregate classification (germline): Uncertain significance (1 of 4 stars; one submission).

Submission:

Labcorp Genetics (formerly Invitae), Labcorp
Classification: Uncertain significance. Last evaluated: 2021-11-14. Review status: criteria provided, single submitter. Criteria: Invitae Variant Classification Sherloc (09022015). Collection method: clinical testing. Allele origin: germline.
Comment: In summary, the available evidence is currently insufficient to determine the role of this variant in disease. Therefore, it has been classified as a Variant of Uncertain Significance. Algorithms developed to predict the effect of missense changes on protein structure and function (SIFT, PolyPhen-2, Align-GVGD) all suggest that this variant is likely to be tolerated. This variant has not been reported in the literature in individuals affected with ANGPT1-related conditions. This variant is not present in population databases (gnomAD no frequency). This sequence change replaces alanine, which is neutral and non-polar, with valine, which is neutral and non-polar, at codon 42 of the ANGPT1 protein (p.Ala42Val).

NM_001146.5(ANGPT1):c.125C>T (p.Ala42Val)

Gene: ANGPT1 (angiopoietin 1; minus strand). Cytogenetic location: 8q23.1.
Variant type: single nucleotide variant.
Coding change: c.125C>T on transcript NM_001146.5 (MANE Select); coding-DNA position 125, C replaced by T.
Protein change: p.Ala42Val; replaces alanine 42 with valine.
Molecular consequence: missense variant.
Genome position (GRCh38, 1-based): chr8:107,497,434, G>A on the plus strand (C>T on the coding strand, the complement: ANGPT1 is on the minus strand). VCF-style: chr8-107497434-G-A. GRCh37 (hg19) VCF-style: chr8-108509662-G-A.
Other names: c.125C>T, p.Ala42Val (NM_001199859.3); short protein forms A42V.
Identifiers: ClinVar variation 1436972 (VCV001436972.6), dbSNP rs2130553998, ClinGen allele CA372035474.